The following is an entry in ClinVar:

ClinVar aggregate classification (germline): Pathogenic (1 of 4 stars; one submission).

Conditions:
Intellectual developmental disorder, X-linked 1. Also called: MENTAL RETARDATION, X-LINKED 18; MENTAL RETARDATION, X-LINKED 78; Atkin Flaitz Patil Smith syndrome; Intellectual disability, X-linked 1. Identifiers: Orphanet 777, MedGen C2931498, MONDO:0010656, OMIM 309530.

Submission:

Labcorp Genetics (formerly Invitae), Labcorp
Classification: Pathogenic for Intellectual developmental disorder, X-linked 1. Last evaluated: 2018-07-27. Review status: criteria provided, single submitter. Criteria: Invitae Variant Classification Sherloc (09022015). Collection method: clinical testing. Allele origin: germline.
Comment: This sequence change creates a premature translational stop signal (p.Gln360Profs*9) in the IQSEC2 gene. It is expected to result in an absent or disrupted protein product. This variant is not present in population databases (ExAC no frequency). This variant has not been reported in the literature in individuals with IQSEC2-related disease. Loss-of-function variants in IQSEC2 are known to be pathogenic (PMID: 21686261, 26793055, 27665735). For these reasons, this variant has been classified as Pathogenic.

Literature cited by the submitters: PubMed 21686261; PubMed 26793055; PubMed 27665735.

NM_001111125.3(IQSEC2):c.1078dup (p.Gln360fs)

Gene: IQSEC2 (IQ motif and Sec7 domain ArfGEF 2; minus strand). Cytogenetic location: Xp11.22.
Variant type: Duplication.
Coding change: c.1078dup on transcript NM_001111125.3 (MANE Select); coding-DNA position 1078, one base duplicated (C; older notation c.1078dupC).
Protein change: p.Gln360fs; shifts the reading frame from glutamine 360.
Molecular consequence: frameshift variant.
Genome position (GRCh38, 1-based): chrX:53,254,853, G duplicated on the plus strand (C on the coding strand, the reverse complement: IQSEC2 is on the minus strand); the first of 2 consecutive G bases (chrX:53,254,853-53,254,854); duplicating either gives the same sequence. VCF-style (leftmost placement, unchanged base first): chrX-53254852-T-TG. GRCh37 (hg19) VCF-style: chrX-53284034-T-TG.
Other names: c.463dup, p.Gln155fs (NM_015075.2); c.1078dupC (NM_001111125.2); short protein forms Q155fs, Q360fs.
Identifiers: ClinVar variation 658703 (VCV000658703.7), dbSNP rs1602291861, ClinGen allele CA915951100.